The following is an entry in ClinVar:

NM_000291.4(PGK1):c.68T>G (p.Val23Gly)

Gene: PGK1 (phosphoglycerate kinase 1; plus strand). Cytogenetic location: Xq21.1.
Variant type: single nucleotide variant.
Coding change: c.68T>G on transcript NM_000291.4 (MANE Select); coding-DNA position 68, T replaced by G.
Protein change: p.Val23Gly; replaces valine 23 with glycine.
Molecular consequence: missense variant.
Genome position (GRCh38, 1-based): chrX:78,109,869, T>G. VCF-style: chrX-78109869-T-G. GRCh37 (hg19) VCF-style: chrX-77365366-T-G.
Other names: short protein forms V23G.
Identifiers: ClinVar variation 3373376 (VCV003373376.1).

ClinVar aggregate classification (germline): Uncertain significance (1 of 4 stars; one submission).

Submission:

GeneDx
Classification: Uncertain significance. Last evaluated: 2024-05-03. Review status: criteria provided, single submitter. Criteria: GeneDx Variant Classification Process June 2021. Collection method: clinical testing. Allele origin: germline. Affected: yes.
Comment: Not observed at significant frequency in large population cohorts (gnomAD); In silico analysis supports that this missense variant has a deleterious effect on protein structure/function; Has not been previously published as pathogenic or benign to our knowledge